The following is an entry in ClinVar:

ClinVar aggregate classification (germline): Uncertain significance (1 of 4 stars; one submission).

Conditions:
Short QT syndrome type 3. Identifiers: Orphanet 51083, MedGen C1865018, MONDO:0012314, OMIM 609622.
Andersen Tawil syndrome (LQT7). Also called: ANDERSEN CARDIODYSRHYTHMIC PERIODIC PARALYSIS; Potassium-sensitive periodic paralysis, ventricular ectopy, and dysmorphic features; Andersen Syndrome; PERIODIC PARALYSIS, POTASSIUM-SENSITIVE CARDIODYSRHYTHMIC TYPE; LONG QT SYNDROME 7. Identifiers: Orphanet 37553, MedGen C1563715, MONDO:0008222, OMIM 170390.

Submission:

Labcorp Genetics (formerly Invitae), Labcorp
Classification: Uncertain significance for Short QT syndrome type 3; Andersen Tawil syndrome. Last evaluated: 2021-11-25. Review status: criteria provided, single submitter. Criteria: Invitae Variant Classification Sherloc (09022015). Collection method: clinical testing. Allele origin: germline.
Comment: In summary, the available evidence is currently insufficient to determine the role of this variant in disease. Therefore, it has been classified as a Variant of Uncertain Significance. Algorithms developed to predict the effect of missense changes on protein structure and function are either unavailable or do not agree on the potential impact of this missense change (SIFT: "Tolerated"; PolyPhen-2: "Possibly Damaging"; Align-GVGD: "Class C15"). This variant has not been reported in the literature in individuals affected with KCNJ2-related conditions. This variant is not present in population databases (gnomAD no frequency). This sequence change replaces serine, which is neutral and polar, with cysteine, which is neutral and slightly polar, at codon 124 of the KCNJ2 protein (p.Ser124Cys).

NM_000891.3(KCNJ2):c.371C>G (p.Ser124Cys)

Gene: KCNJ2 (potassium inwardly rectifying channel subfamily J member 2; plus strand). Cytogenetic location: 17q24.3.
Variant type: single nucleotide variant.
Coding change: c.371C>G on transcript NM_000891.3 (MANE Select); coding-DNA position 371, C replaced by G.
Protein change: p.Ser124Cys; replaces serine 124 with cysteine.
Molecular consequence: missense variant.
Genome position (GRCh38, 1-based): chr17:70,175,410, C>G. VCF-style: chr17-70175410-C-G. GRCh37 (hg19) VCF-style: chr17-68171551-C-G.
Other names: short protein forms S124C.
Identifiers: ClinVar variation 1490871 (VCV001490871.6), dbSNP rs2144376873, ClinGen allele CA400860451.